The following is an entry in ClinVar:

NM_001242882.2(NAXD):c.885C>T (p.Thr295=)

Gene: NAXD (NAD(P)HX dehydratase; plus strand). Cytogenetic location: 13q34.
Variant type: single nucleotide variant.
Coding change: c.885C>T on transcript NM_001242882.2 (MANE Select); coding-DNA position 885, C replaced by T.
Protein change: p.Thr295=; no amino-acid change (threonine 295 retained).
Molecular consequence: synonymous variant. On other transcripts: nonsense (1), non-coding transcript variant (2).
Genome position (GRCh38, 1-based): chr13:110,638,423, C>T. VCF-style: chr13-110638423-C-T. GRCh37 (hg19) VCF-style: chr13-111290770-C-T.
Other names: c.939C>T, p.Thr313= (NM_001242881.2); c.609C>T, p.Thr203= (NM_001242883.2); c.1075C>T, p.Gln359Ter (NM_018210.4); short protein forms Q359*.
Identifiers: ClinVar variation 1494578 (VCV001494578.6), dbSNP rs977128108, ClinGen allele CA256319846.
Genomic context (GRCh38, chr13:110,638,423, plus strand): 5'-TCCCCCTCTCCGCAGGTCCAGCCCTCTCCTGGTGGCCGCGTTTGGCGCCTGCTCTCTCAC[C>T]AGGCAGTGCAACCACCAAGCCTTCCAGAAGCACGGTCGCTCCACCACCACCTCCGACATG-3'
Protein context (NP_001229811.1, residues 285-305): LVAAFGACSL[Thr295=]RQCNHQAFQK

ClinVar aggregate classification (germline): Uncertain significance (1 of 4 stars; one submission).

Allele frequency attached by ClinVar (database versions not stated): gnomAD exomes below 0.00001; gnomAD 0.00001; TOPMed 0.00004.
gnomAD v4.1: 3 of 1,613,534 alleles (0.00019%); highest among the groups gnomAD compares: Admixed American, 0.0017%; no homozygotes.

Submission:

Labcorp Genetics (formerly Invitae), Labcorp
Classification: Uncertain significance. Last evaluated: 2021-12-02. Review status: criteria provided, single submitter. Criteria: Invitae Variant Classification Sherloc (09022015). Collection method: clinical testing. Allele origin: germline.
Comment: This sequence change creates a premature translational stop signal (p.Gln359*) in the NAXD gene. While this is not anticipated to result in nonsense mediated decay, it is expected to disrupt the last 32 amino acid(s) of the NAXD protein. This variant is not present in population databases (gnomAD no frequency). This variant has not been reported in the literature in individuals affected with NAXD-related conditions. Experimental studies and prediction algorithms are not available or were not evaluated, and the functional significance of this variant is currently unknown. In summary, the available evidence is currently insufficient to determine the role of this variant in disease. Therefore, it has been classified as a Variant of Uncertain Significance.